The following is an entry in ClinVar:

NM_000095.3(COMP):c.2152C>A (p.Arg718=)

Gene: COMP (cartilage oligomeric matrix protein; minus strand). Cytogenetic location: 19p13.11.
Variant type: single nucleotide variant.
Coding change: c.2152C>A on transcript NM_000095.3 (MANE Select); coding-DNA position 2152, C replaced by A.
Protein change: p.Arg718=; no amino-acid change (arginine 718 retained).
Molecular consequence: synonymous variant.
Genome position (GRCh38, 1-based): chr19:18,783,129, G>T on the plus strand (C>A on the coding strand, the complement: COMP is on the minus strand). VCF-style: chr19-18783129-G-T. GRCh37 (hg19) VCF-style: chr19-18893939-G-T.
Identifiers: ClinVar variation 769450 (VCV000769450.19), dbSNP rs28936368, ClinGen allele CA9316160.

ClinVar aggregate classification (germline): Benign/Likely benign. Review status: criteria provided, multiple submitters, no conflicts (2 of 4 stars). 5 submissions from 4 submitters: Benign (3); Likely benign (2). Last evaluated 2026-01-12.

Conditions:
Pseudoachondroplastic spondyloepiphyseal dysplasia syndrome (PSACH). Also called: PSEUDOACHONDROPLASTIC DYSPLASIA; Pseudoachondroplasia; COMP-Related Pseudoachondroplasia. Identifiers: Orphanet 750, MedGen C0410538, MONDO:0008322, OMIM 177170.
Multiple epiphyseal dysplasia type 1. Also called: COMP-Related Multiple Epiphyseal Dysplasia. Identifiers: Orphanet 93308, MedGen C1838280, MONDO:0007561, OMIM 132400.
Connective tissue disorder. Also called: Connective tissue disease. Identifiers: MedGen C0009782, MONDO:0003900.

Allele frequency attached by ClinVar (database versions not stated): gnomAD 0.00081 and 0.00078; ExAC 0.00078; gnomAD exomes 0.00086; 1000 Genomes Project 30x 0.00094; 1000 Genomes Project 0.00100; TOPMed 0.00117.
gnomAD v4.1: 1,572 of 1,610,894 alleles (0.098%); highest among the groups gnomAD compares: Admixed American, 0.26%; 1 homozygote.

Submissions (5):

Labcorp Genetics (formerly Invitae), Labcorp
Classification: Benign. Last evaluated: 2026-01-12. Review status: criteria provided, single submitter. Criteria: Invitae Variant Classification Sherloc (09022015). Collection method: clinical testing. Allele origin: germline.

Genome Diagnostics Laboratory, The Hospital for Sick Children
Classification: Likely benign for Connective tissue disorder. Last evaluated: 2022-07-15. Review status: criteria provided, single submitter. Criteria: ACMG Guidelines, 2015. Collection method: clinical testing. Allele origin: germline.

GeneDx
Classification: Likely benign. Last evaluated: 2020-10-30. Review status: criteria provided, single submitter. Criteria: GeneDx Variant Classification Process June 2021. Collection method: clinical testing. Allele origin: germline. Affected: yes.

Illumina Laboratory Services, Illumina
Classification: Benign for Pseudoachondroplastic spondyloepiphyseal dysplasia syndrome. Last evaluated: 2017-04-27. Review status: criteria provided, single submitter. Criteria: ICSL Variant Classification Criteria 13 December 2019. Collection method: clinical testing. Allele origin: germline.
Comment: This variant was observed as part of a predisposition screen in an ostensibly healthy population. A literature search was performed for the gene, cDNA change, and amino acid change (where applicable). No publications were found based on this search. Allele frequency data from public databases was too high to be consistent with this variant causing disease. Therefore, this variant is classified as benign.

Illumina Laboratory Services, Illumina
Classification: Benign for Multiple epiphyseal dysplasia type 1. Last evaluated: 2017-04-27. Review status: criteria provided, single submitter. Criteria: ICSL Variant Classification Criteria 13 December 2019. Collection method: clinical testing. Allele origin: germline.
Comment: the same text as in the submission from Illumina Laboratory Services, Illumina above.